The following is an entry in ClinVar:

NM_004239.4(TRIP11):c.460C>T (p.Pro154Ser)

Gene: TRIP11 (thyroid hormone receptor interactor 11; minus strand). Cytogenetic location: 14q32.12.
Variant type: single nucleotide variant.
Coding change: c.460C>T on transcript NM_004239.4 (MANE Select); coding-DNA position 460, C replaced by T.
Protein change: p.Pro154Ser; replaces proline 154 with serine.
Molecular consequence: missense variant.
Genome position (GRCh38, 1-based): chr14:92,021,684, G>A on the plus strand (C>T on the coding strand, the complement: TRIP11 is on the minus strand). VCF-style: chr14-92021684-G-A. GRCh37 (hg19) VCF-style: chr14-92488028-G-A.
Other names: c.457C>T, p.Pro153Ser (NM_001321851.1); short protein forms P153S, P154S.
Identifiers: ClinVar variation 994015 (VCV000994015.8), dbSNP rs201247031, ClinGen allele CA7314185.
Genomic context (GRCh38, chr14:92,021,684, plus strand): 5'-TTTCTTGTTGGGATGAAATTATATCACCAAAGTCCATGTCATCGTCATGGAAAGCTGAAG[G>A]ATGATGACTAATCCCATAAGCGAATGAAGATGATGCAGTGGTTGCTGGTACACCAGCTCC-3'
Protein context (NP_004230.2, residues 144-164): SSFAYGISHH[Pro154Ser]SAFHDDDMDF

ClinVar aggregate classification (germline): Uncertain significance (1 of 4 stars; one submission).

Allele frequency attached by ClinVar (database versions not stated): gnomAD 0.00003; TOPMed 0.00003; ExAC 0.00004; gnomAD exomes 0.00006; ESP Exome Variant Server 0.00008.

Submission:

ARUP Laboratories, Molecular Genetics and Genomics, ARUP Laboratories
Classification: Uncertain significance. Last evaluated: 2019-08-05. Review status: criteria provided, single submitter. Criteria: ARUP Molecular Germline Variant Investigation Process. Collection method: clinical testing. Allele origin: germline.
Comment: The TRIP11 c.460C>T; p.Pro154Ser variant (rs201247031), to our knowledge, is not reported in the medical literature or gene specific databases. This variant is found in the Ashkenazi Jewish population with an allele frequency of 0.14% (14/10078 alleles) in the Genome Aggregation Database. The proline at codon 154 is weakly conserved, and computational analyses (SIFT, PolyPhen-2) predict that this variant is tolerated. Due to limited information, the clinical significance of the p.Pro154Ser variant is uncertain at this time.